The following is an entry in ClinVar:

ClinVar aggregate classification (germline): Benign/Likely benign. Review status: criteria provided, multiple submitters, no conflicts (2 of 4 stars). 4 submissions from 4 submitters: Benign (1); Likely benign (2). 1 of the submissions does not count toward it. Last evaluated 2026-01-14.

Conditions:
Meckel-Gruber syndrome. Also called: Dysencephalia splachnocystica; GRUBER SYNDROME; DYSENCEPHALIA SPLANCHNOCYSTICA. Identifiers: Orphanet 564, MedGen C0265215, MONDO:0018921.
Joubert syndrome. Also called: Familial aplasia of the vermis; JOUBERT-BOLTSHAUSER SYNDROME. Identifiers: Orphanet 475, MedGen C5979921, MONDO:0018772.

Allele frequency attached by ClinVar (database versions not stated): gnomAD 0.00001 and 0.00015; TOPMed 0.00003; gnomAD exomes 0.00031 and 0.00054; ExAC 0.00059; 1000 Genomes Project 0.00160; 1000 Genomes Project 30x 0.00172.
gnomAD v4.1: 483 of 1,614,066 alleles (0.03%); highest among the groups gnomAD compares: South Asian, 0.49%; 6 homozygotes.

Submissions (4):

Labcorp Genetics (formerly Invitae), Labcorp
Classification: Benign for Joubert syndrome; Meckel-Gruber syndrome. Last evaluated: 2026-01-14. Review status: criteria provided, single submitter. Criteria: Invitae Variant Classification Sherloc (09022015). Collection method: clinical testing. Allele origin: germline.

Blueprint Genetics
Classification: Likely benign. Last evaluated: 2024-11-26. Review status: criteria provided, single submitter. Criteria: ACMG Guidelines, 2015. Collection method: clinical testing. Allele origin: germline.

CeGaT Center for Human Genetics Tuebingen
Classification: Likely benign. Last evaluated: 2022-12-01. Review status: criteria provided, single submitter. Criteria: CeGaT Center For Human Genetics Tuebingen Variant Classification Criteria Version 2. Collection method: clinical testing. Allele origin: germline. Affected: yes. Observed: 1 variant allele.
Comment: RPGRIP1L: BP4, BP7

Natera, Inc.
Classification: Benign for Joubert syndrome. Last evaluated: 2020-09-16. Review status: no assertion criteria provided. Collection method: clinical testing. Allele origin: germline. Not counted in ClinVar's aggregate classification.

NM_015272.5(RPGRIP1L):c.1944G>A (p.Val648=)

Gene: RPGRIP1L (RPGRIP1 like; minus strand). Cytogenetic location: 16q12.2.
Variant type: single nucleotide variant.
Coding change: c.1944G>A on transcript NM_015272.5 (MANE Select); coding-DNA position 1944, G replaced by A.
Protein change: p.Val648=; no amino-acid change (valine 648 retained).
Molecular consequence: synonymous variant.
Genome position (GRCh38, 1-based): chr16:53,652,743, C>T on the plus strand (G>A on the coding strand, the complement: RPGRIP1L is on the minus strand). VCF-style: chr16-53652743-C-T. GRCh37 (hg19) VCF-style: chr16-53686655-C-T.
Other names: c.1944G>A, p.Val648= (NM_001127897.4, NM_001308334.3, NM_001330538.2).
Identifiers: ClinVar variation 696285 (VCV000696285.37), dbSNP rs532450170, ClinGen allele CA8057671.